The following is an entry in ClinVar:

NM_002470.4(MYH3):c.3445G>A (p.Glu1149Lys)

Gene: MYH3 (myosin heavy chain 3; minus strand). Cytogenetic location: 17p13.1.
Variant type: single nucleotide variant.
Coding change: c.3445G>A on transcript NM_002470.4 (MANE Select); coding-DNA position 3445, G replaced by A.
Protein change: p.Glu1149Lys; replaces glutamic acid 1149 with lysine.
Molecular consequence: missense variant.
Genome position (GRCh38, 1-based): chr17:10,638,327, C>T on the plus strand (G>A on the coding strand, the complement: MYH3 is on the minus strand). VCF-style: chr17-10638327-C-T. GRCh37 (hg19) VCF-style: chr17-10541644-C-T.
Other names: short protein forms E1149K.
Identifiers: ClinVar variation 2041683 (VCV002041683.4), dbSNP rs145785711, ClinGen allele CA8392514.
Genomic context (GRCh38, chr17:10,638,327, plus strand): 5'-CCCGCTTCTTGTTGAGCTCTATCTGCGTGGAGGTGACGCCTCCCGCCTCCTCCAGCCGCT[C>T]GCTCAGCTCCTCCAGCTCCCGGGCATAGTCGCTGCGCTGTTTCTCTGTCTTCGCGCGGGT-3'
Protein context (NP_002461.2, residues 1139-1159): DYARELEELS[Glu1149Lys]RLEEAGGVTS

ClinVar aggregate classification (germline): Uncertain significance (1 of 4 stars; one submission).

gnomAD v4.1: 17 of 1,612,034 alleles (0.0011%); highest among the groups gnomAD compares: Admixed American, 0.0017%; no homozygotes.

Submission:

Labcorp Genetics (formerly Invitae), Labcorp
Classification: Uncertain significance. Last evaluated: 2022-03-04. Review status: criteria provided, single submitter. Criteria: Invitae Variant Classification Sherloc (09022015). Collection method: clinical testing. Allele origin: germline.
Comment: In summary, the available evidence is currently insufficient to determine the role of this variant in disease. Therefore, it has been classified as a Variant of Uncertain Significance. Algorithms developed to predict the effect of missense changes on protein structure and function are either unavailable or do not agree on the potential impact of this missense change (SIFT: "Deleterious"; PolyPhen-2: "Benign"; Align-GVGD: "Class C55"). This variant has not been reported in the literature in individuals affected with MYH3-related conditions. This variant is present in population databases (rs145785711, gnomAD 0.003%). This sequence change replaces glutamic acid, which is acidic and polar, with lysine, which is basic and polar, at codon 1149 of the MYH3 protein (p.Glu1149Lys).